The following is an entry in ClinVar:

ClinVar aggregate classification (germline): Conflicting classifications of pathogenicity. Review status: criteria provided, conflicting classifications (1 of 4 stars). 3 submissions from 3 submitters: Pathogenic (1); Likely pathogenic (1); Uncertain significance (1). Last evaluated 2025-10-28.

Conditions:
Early-infantile DEE. Also called: Early infantile epileptic encephalopathy; Early infantile epileptic encephalopathy with suppression bursts; Ohtahara syndrome. Identifiers: Orphanet 1934, MedGen C0393706, MONDO:0800491.
Generalized epilepsy with febrile seizures plus, type 2 (GEFSP2). Also called: GEFS+, TYPE 2. Identifiers: Orphanet 36387, MedGen C1858673, MONDO:0011461, OMIM 604403.
Severe myoclonic epilepsy in infancy (DRVT). Also called: SEVERE MYOCLONIC EPILEPSY OF INFANCY; DEVELOPMENTAL AND EPILEPTIC ENCEPHALOPATHY 6A; Severe Myoclonic Epilepsy in Infancy (SMEI); Dravet syndrome; Epileptic encephalopathy, early infantile, 6 (Dravet syndrome). Identifiers: Orphanet 33069, MedGen C0751122, MONDO:0100135, OMIM 607208.

Submissions (3):

Variantyx, Inc.
Classification: Likely pathogenic for Severe myoclonic epilepsy in infancy. Last evaluated: 2025-10-28. Review status: criteria provided, single submitter. Criteria: Variantyx Assertion Criteria 2022. Collection method: clinical testing. Allele origin: de novo. Inheritance: Autosomal dominant inheritance. Affected: yes.
Comment: This is a nonsynonymous variant in the SCN1A gene (OMIM: 182389). Pathogenic variants in this gene have been associated with autosomal dominant Dravet syndrome. The alteration lies within a known hotspot for pathogenic variants or a well-established critical functional domain of the SCN1A protein (PMID: 31782251) (PM1), and multiple computational algorithms predict a deleterious effect for this variant (REVEL score: 0.959) (PP3). This variant is absent from control populations (PM2). Based on the current evidence, this variant is classified as likely pathogenic for autosomal dominant Dravet syndrome. This variant was reported by previous genetic testing.

3billion
Classification: Uncertain significance for Generalized epilepsy with febrile seizures plus, type 2. Last evaluated: 2021-10-25. Review status: criteria provided, single submitter. Criteria: ACMG Guidelines, 2015. Collection method: clinical testing. Allele origin: unknown. Affected: yes. Observed: 1 heterozygote.
Comment: The variant is located in a mutational hot spot and/or well-established functional domain in which established pathogenic variants have been reported (PM1). It is not observed in the gnomAD v2.1.1 dataset (PM2). In silico tool predictions suggest damaging effect of the variant on gene or gene product (REVEL: 0.959, 3Cnet: 0.998, PP3). Therefore, this variant is classified as uncertain significance according to the recommendation of ACMG/AMP guideline.

Labcorp Genetics (formerly Invitae), Labcorp
Classification: Pathogenic for Early-infantile DEE. Last evaluated: 2021-04-14. Review status: criteria provided, single submitter. Criteria: Invitae Variant Classification Sherloc (09022015). Collection method: clinical testing. Allele origin: germline.
Comment: For these reasons, this variant has been classified as Pathogenic. Advanced modeling of protein sequence and biophysical properties (such as structural, functional, and spatial information, amino acid conservation, physicochemical variation, residue mobility, and thermodynamic stability) performed at Invitae indicates that this missense variant is expected to disrupt SCN1A protein function. This variant has been observed in individual(s) with clinical features of SCN1A-related conditions (Invitae). In at least one individual the variant was observed to be de novo. This variant is not present in population databases (ExAC no frequency). This sequence change replaces phenylalanine with leucine at codon 269 of the SCN1A protein (p.Phe269Leu). The phenylalanine residue is highly conserved and there is a small physicochemical difference between phenylalanine and leucine.

Literature cited by the submitters: PubMed 31782251 (cited by Variantyx, Inc.).

NM_001165963.4(SCN1A):c.807C>A (p.Phe269Leu)

Gene: SCN1A (sodium voltage-gated channel alpha subunit 1; minus strand). Cytogenetic location: 2q24.3.
Variant type: single nucleotide variant.
Coding change: c.807C>A on transcript NM_001165963.4 (MANE Select); coding-DNA position 807, C replaced by A.
Protein change: p.Phe269Leu; replaces phenylalanine 269 with leucine.
Molecular consequence: missense variant. On other transcripts: 5 prime UTR variant (1), non-coding transcript variant (1).
Genome position (GRCh38, 1-based): chr2:166,051,876, G>T on the plus strand (C>A on the coding strand, the complement: SCN1A is on the minus strand). VCF-style: chr2-166051876-G-T. GRCh37 (hg19) VCF-style: chr2-166908386-G-T.
Other names: c.807C>A, p.Phe269Leu (NM_001165964.3, NM_001202435.3, NM_001353948.2 and 10 more transcripts); c.-1619C>A (NM_001353961.2); short protein forms F269L.
Identifiers: ClinVar variation 1321268 (VCV001321268.11), dbSNP rs2105889917, ClinGen allele CA349073259.